The following is an entry in ClinVar:

ClinVar aggregate classification (germline): Pathogenic (1 of 4 stars; one submission).

Submission:

Labcorp Genetics (formerly Invitae), Labcorp
Classification: Pathogenic. Last evaluated: 2025-07-23. Review status: criteria provided, single submitter. Criteria: Invitae Variant Classification Sherloc (09022015). Collection method: clinical testing. Allele origin: germline.
Comment: This sequence change creates a premature translational stop signal (p.Leu123Thrfs*9) in the NAA15 gene. It is expected to result in an absent or disrupted protein product. Loss-of-function variants in NAA15 are known to be pathogenic (PMID: 28191889, 29656860). This variant is not present in population databases (gnomAD no frequency). This variant has not been reported in the literature in individuals affected with NAA15-related conditions. Algorithms developed to predict the effect of sequence changes on RNA splicing suggest that this variant may disrupt the consensus splice site. For these reasons, this variant has been classified as Pathogenic.

Literature cited by the submitters: PubMed 28191889; PubMed 29656860.

NM_057175.5(NAA15):c.366dup (p.Leu123fs)

Gene: NAA15 (N-alpha-acetyltransferase 15, NatA auxiliary subunit; plus strand). Cytogenetic location: 4q31.1.
Variant type: Duplication.
Coding change: c.366dup on transcript NM_057175.5 (MANE Select); coding-DNA position 366, one base duplicated (A; older notation c.366dupA).
Protein change: p.Leu123fs; shifts the reading frame from leucine 123.
Molecular consequence: frameshift variant.
Genome position (GRCh38, 1-based): chr4:139,341,033, A duplicated. VCF-style (leftmost placement, unchanged base first): chr4-139341032-T-TA. GRCh37 (hg19) VCF-style: chr4-140262186-T-TA.
Other names: c.366dup, p.Leu123fs (NM_001410842.1); short protein forms L123fs.
Identifiers: ClinVar variation 4723813 (VCV004723813.1).
Genomic context (GRCh38, chr4:139,341,032, plus strand): 5'-GTTACAGAAATGCACTAAAATGGGATAAAGACAATCTTCAAATCTTAAGGGACCTTTCCT[T>TA]ACTACAGATTCAAATGCGAGATCTTGAGGGTTACAGGGTAAGTAAAATAGAGACTTTTTT-3'